The following is an entry in ClinVar:

ClinVar aggregate classification (germline): Uncertain significance. Review status: reviewed by expert panel (3 of 4 stars). 5 submissions from 5 submitters: Uncertain significance (1). 4 of the submissions do not count toward it. Last evaluated 2024-11-07.

Conditions:
Inborn genetic diseases. Identifiers: MedGen C0950123, MeSH D030342.
Glanzmann thrombasthenia. Also called: PLATELET GLYCOPROTEIN IIb-IIIa DEFICIENCY; BLEEDING DISORDER, PLATELET-TYPE, 2; THROMBASTHENIA OF GLANZMANN AND NAEGELI; Thrombasthenia; Glanzmann's thrombasthenia. Identifiers: Orphanet 849, MedGen C0040015, MONDO:0100326.

Allele frequency attached by ClinVar (database versions not stated): gnomAD 0.00001; gnomAD exomes 0.00001 and 0.00002; ExAC 0.00002; TOPMed 0.00002; ESP Exome Variant Server 0.00008.

Submissions (5):

ClinGen Platelet Disorders Variant Curation Expert Panel, ClinGen
Classification: Uncertain significance for Glanzmann thrombasthenia. Last evaluated: 2024-11-07. Review status: reviewed by expert panel. Criteria: ClinGen Platelet ACMG Specifications v2-1. Collection method: curation. Allele origin: germline. Inheritance: Autosomal recessive inheritance.
Comment: The NM_000419.5:c.1537G>A (p.Val513Met) variant in ITGA2B is a missense variant which is predicted to cause substitution of Valine by Methionine at amino acid 513. This variant has been reported to ClinVar in association with Glanzmann thrombasthenia (affected status unknown (Accession: VCV000888902.6). The highest population minor allele frequency in gnomAD v4.1.0 is 0.00008912 (4/44882 alleles) in the East Asian population, which is lower than the ClinGen PD VCEP threshold (<0.0001; PM2_Supporting). The computational splicing predictor SpliceAI gives a score of 0.50 for donor site loss, predicting that the variant disrupts the splice site of intron 15 of ITGA2B (PP3). In summary, this variant meets the criteria to be classified as a variant of unknown significance due to insufficient evidence for autosomal recessive Glanzmann Thrombasthenia based on the ACMG/AMP criteria applied, as specified by the ClinGen PD VCEP: PM2_Supporting, PP3.

Labcorp Genetics (formerly Invitae), Labcorp
Classification: Uncertain significance for Glanzmann thrombasthenia. Last evaluated: 2025-06-01. Review status: criteria provided, single submitter. Criteria: Invitae Variant Classification Sherloc (09022015). Collection method: clinical testing. Allele origin: germline. Not counted in ClinVar's aggregate classification.
Comment: This sequence change replaces valine, which is neutral and non-polar, with methionine, which is neutral and non-polar, at codon 513 of the ITGA2B protein (p.Val513Met). This variant is present in population databases (rs112836157, gnomAD 0.006%). This variant has not been reported in the literature in individuals affected with ITGA2B-related conditions. ClinVar contains an entry for this variant (Variation ID: 888902). Invitae Evidence Modeling of protein sequence and biophysical properties (such as structural, functional, and spatial information, amino acid conservation, physicochemical variation, residue mobility, and thermodynamic stability) indicates that this missense variant is expected to disrupt ITGA2B protein function with a positive predictive value of 95%. In summary, the available evidence is currently insufficient to determine the role of this variant in disease. Therefore, it has been classified as a Variant of Uncertain Significance.

Women's Health and Genetics/Laboratory Corporation of America, LabCorp
Classification: Uncertain significance. Last evaluated: 2025-01-13. Review status: criteria provided, single submitter. Criteria: LabCorp Variant Classification Summary - May 2015. Collection method: clinical testing. Allele origin: germline. Not counted in ClinVar's aggregate classification.
Comment: Variant summary: ITGA2B c.1537G>A (p.Val513Met) results in a conservative amino acid change located in the Integrin domain of the encoded protein sequence. Three of five in-silico tools predict a damaging effect of the variant on protein function. The variant allele was found at a frequency of 1.6e-05 in 251320 control chromosomes. The available data on variant occurrences in the general population are insufficient to allow any conclusion about variant significance. To our knowledge, no occurrence of c.1537G>A in individuals affected with ITGA2B-Related Disorders and no experimental evidence demonstrating its impact on protein function have been reported. ClinVar contains an entry for this variant (Variation ID: 888902). Based on the evidence outlined above, the variant was classified as uncertain significance.

Ambry Genetics
Classification: Uncertain significance for Inborn genetic diseases. Last evaluated: 2024-02-13. Review status: criteria provided, single submitter. Criteria: Ambry Variant Classification Scheme 2023. Collection method: clinical testing. Allele origin: germline. Not counted in ClinVar's aggregate classification.

Illumina Laboratory Services, Illumina
Classification: Uncertain significance for Glanzmann thrombasthenia 1. Last evaluated: 2018-01-12. Review status: criteria provided, single submitter. Criteria: ICSL Variant Classification Criteria 13 December 2019. Collection method: clinical testing. Allele origin: germline. Not counted in ClinVar's aggregate classification.

NM_000419.5(ITGA2B):c.1537G>A (p.Val513Met)

Gene: ITGA2B (integrin subunit alpha 2b; minus strand). Cytogenetic location: 17q21.31.
Variant type: single nucleotide variant.
Coding change: c.1537G>A on transcript NM_000419.5 (MANE Select); coding-DNA position 1537, G replaced by A.
Protein change: p.Val513Met; replaces valine 513 with methionine.
Molecular consequence: missense variant.
Genome position (GRCh38, 1-based): chr17:44,380,393, C>T on the plus strand (G>A on the coding strand, the complement: ITGA2B is on the minus strand). VCF-style: chr17-44380393-C-T. GRCh37 (hg19) VCF-style: chr17-42457761-C-T.
Other names: NM_000419.5(ITGA2B):c.1537G>A; p.Val513Met; short protein forms V513M.
Identifiers: ClinVar variation 888902 (VCV000888902.10), dbSNP rs112836157, ClinGen allele CA8603055.
Genomic context (GRCh38, chr17:44,380,393, plus strand): 5'-GAGCCTTTCTGAGGTCCCAGATCCTTTAAGGCCCATGCCCTCTGCCTCCTCACCAGCTCA[C>T]GGGTGTCTTGGTCTGAGGTAGGACACAGCTCTTCACAGCAGGATTCAGTGAATCTTGCAC-3'
Protein context (NP_000410.2, residues 503-523): SCVLPQTKTP[Val513Met]SCFNIQMCVG